The following is an entry in ClinVar:

ClinVar aggregate classification (germline): Uncertain significance (1 of 4 stars; one submission).

Conditions:
Hereditary cancer-predisposing syndrome. Also called: Neoplastic Syndromes, Hereditary; Tumor predisposition; Hereditary Cancer Syndrome; Hereditary neoplastic syndrome. Identifiers: Orphanet 140162, MedGen C0027672, MeSH D009386, MONDO:0015356.

Submission:

Ambry Genetics
Classification: Uncertain significance for Hereditary cancer-predisposing syndrome. Last evaluated: 2026-05-02. Review status: criteria provided, single submitter. Criteria: Ambry Variant Classification Scheme 2023. Collection method: clinical testing. Allele origin: germline.
Comment: The p.G76A variant (also known as c.227G>C), located in coding exon 2 of the NTHL1 gene, results from a G to C substitution at nucleotide position 227. The glycine at codon 76 is replaced by alanine, an amino acid with similar properties. This amino acid position is conserved. In addition, this alteration is predicted to be tolerated by in silico analysis. Based on the available evidence, the clinical significance of this variant remains unclear.

NM_002528.7(NTHL1):c.203G>C (p.Gly68Ala)

Gene: NTHL1 (nth like DNA glycosylase 1; minus strand). Cytogenetic location: 16p13.3.
Variant type: single nucleotide variant.
Coding change: c.203G>C on transcript NM_002528.7 (MANE Select); coding-DNA position 203, G replaced by C.
Protein change: p.Gly68Ala; replaces glycine 68 with alanine.
Molecular consequence: missense variant. On other transcripts: splice donor variant (1).
Genome position (GRCh38, 1-based): chr16:2,046,279, C>G on the plus strand (G>C on the coding strand, the complement: NTHL1 is on the minus strand). VCF-style: chr16-2046279-C-G. GRCh37 (hg19) VCF-style: chr16-2096280-C-G.
Other names: c.203G>C, p.Gly68Ala (NM_001318193.2); c.24+1G>C (NM_001318194.2); short protein forms G68A.
Identifiers: ClinVar variation 4861235 (VCV004861235.1).